The following is an entry in ClinVar:

ClinVar aggregate classification (germline): Conflicting classifications of pathogenicity. Review status: criteria provided, conflicting classifications (1 of 4 stars). 2 submissions from 2 submitters: Uncertain significance (1); Likely benign (1). Last evaluated 2024-03-29.

Conditions:
Inborn genetic diseases. Identifiers: MedGen C0950123, MeSH D030342.

gnomAD v4.1: 1 of 1,613,104 alleles (0.000062%); highest among the groups gnomAD compares: East Asian, 0.0022%; no homozygotes.

Submissions (2):

Ambry Genetics
Classification: Likely benign for Inborn genetic diseases. Last evaluated: 2024-03-29. Review status: criteria provided, single submitter. Criteria: Ambry Variant Classification Scheme 2023. Collection method: clinical testing. Allele origin: germline.

Labcorp Genetics (formerly Invitae), Labcorp
Classification: Uncertain significance. Last evaluated: 2024-01-31. Review status: criteria provided, single submitter. Criteria: Invitae Variant Classification Sherloc (09022015). Collection method: clinical testing. Allele origin: germline.
Comment: This sequence change replaces methionine, which is neutral and non-polar, with threonine, which is neutral and polar, at codon 638 of the CAPN5 protein (p.Met638Thr). This variant is present in population databases (rs781819838, gnomAD 0.02%). This variant has not been reported in the literature in individuals affected with CAPN5-related conditions. Algorithms developed to predict the effect of missense changes on protein structure and function output the following: SIFT: "Not Available"; PolyPhen-2: "Benign"; Align-GVGD: "Not Available". The threonine amino acid residue is found in multiple mammalian species, which suggests that this missense change does not adversely affect protein function. In summary, the available evidence is currently insufficient to determine the role of this variant in disease. Therefore, it has been classified as a Variant of Uncertain Significance.

NM_004055.5(CAPN5):c.1913T>C (p.Met638Thr)

Gene: CAPN5 (calpain 5; plus strand). Cytogenetic location: 11q13.5.
Variant type: single nucleotide variant.
Coding change: c.1913T>C on transcript NM_004055.5 (MANE Select); coding-DNA position 1913, T replaced by C.
Protein change: p.Met638Thr; replaces methionine 638 with threonine.
Molecular consequence: missense variant.
Genome position (GRCh38, 1-based): chr11:77,123,860, T>C. VCF-style: chr11-77123860-T-C. GRCh37 (hg19) VCF-style: chr11-76834906-T-C.
Other names: short protein forms M638T.
Identifiers: ClinVar variation 3263222 (VCV003263222.3).
Genomic context (GRCh38, chr11:77,123,860, plus strand): 5'-GGCAGCCCAGCAACCTGCCAGGCACTGTGGCCGTGCACATTCTCAGCAGCACCTCCCTCA[T>C]GGCTGTCTGACACCTGCCCACCTACCTGGCTCTGACCGTTCCCACCACCATCTGCATGTC-3'
Protein context (NP_004046.2, residues 628-640): AVHILSSTSL[Met638Thr]AV